The following is an entry in ClinVar:

ClinVar aggregate classification (germline): Pathogenic. Review status: criteria provided, multiple submitters, no conflicts (2 of 4 stars). 7 submissions from 7 submitters: Pathogenic (6). 1 of the submissions does not count toward it. Last evaluated 2025-02-06.

Conditions:
GLB1-related disorder. Also called: GLB1-related disorders. Identifiers: MedGen CN377807.
Mucopolysaccharidosis, MPS-IV-B (MPS4B). Also called: Mucopolysaccharidosis Type IVB (Morquio B Disease); Mucopolysaccharidosis type 4B; Mucopolysaccharidosis Type IVB; MORQUIO SYNDROME B; Mucopolysaccharidosis type IV B; Mucopolysaccharidosis type IVB (Morquio). Identifiers: Orphanet 309310, Orphanet 582, MedGen C0086652, MONDO:0009660, OMIM 253010.
GM1 gangliosidosis. Identifiers: Orphanet 354, MedGen C0085131, MONDO:0018149.
Infantile GM1 gangliosidosis. Also called: Gangliosidosis, Generalized GM1, Type 1; GM1-gangliosidosis, type I; Gangliosidosis, generalized GM1, infantile form; GLB1 deficiency; GM1 gangliosidosis type 1. Identifiers: Orphanet 354, Orphanet 79255, MedGen C0268271, MONDO:0009260, OMIM 230500.
GM1 gangliosidosis type 3. Also called: GANGLIOSIDOSIS, GENERALIZED GM1, ADULT TYPE; GANGLIOSIDOSIS, GENERALIZED GM1, CHRONIC TYPE; GANGLIOSIDOSIS, GENERALIZED GM1, TYPE III; Beta-galactosidase deficiency; Adult GM1 gangliosidosis; Type 3 (adult) GM1 gangliosidosis. Identifiers: Orphanet 79257, MedGen C0268273, MONDO:0009262, OMIM 230650.
GM1 gangliosidosis type 2. Also called: GANGLIOSIDOSIS, GENERALIZED GM1, JUVENILE TYPE; GANGLIOSIDOSIS, GENERALIZED GM1, TYPE II; GM1-GANGLIOSIDOSIS, TYPE II; Juvenile GM>1< gangliosidosis; Gangliosidosis, Generalized GM1, Type 2. Identifiers: Orphanet 354, Orphanet 79256, MedGen C0268272, MONDO:0009261, OMIM 230600.

Allele frequency attached by ClinVar (database versions not stated): ExAC 0.00001; gnomAD exomes 0.00001 and 0.00002.
gnomAD v4.1: 14 of 1,614,184 alleles (0.00087%); highest among the groups gnomAD compares: Middle Eastern, 0.016%; no homozygotes.

Submissions (7):

3billion
Classification: Pathogenic for Mucopolysaccharidosis, MPS-IV-B. Last evaluated: 2025-02-06. Review status: criteria provided, single submitter. Criteria: ACMG Guidelines, 2015. Collection method: clinical testing. Allele origin: germline. Affected: yes.
Comment: The variant is observed at an extremely low frequency in the gnomAD v4.1.0 dataset (total allele frequency: <0.001%). Predicted Consequence/Location: Stop-gained (nonsense): predicted to result in a loss or disruption of normal protein function through nonsense-mediated decay (NMD) or protein truncation. Multiple pathogenic variants are reported downstream of the variant. The variant has been reported at least twice as pathogenic with clinical assertions and evidence for the classification (ClinVar ID: VCV000264673 /PMID: 21520340). Therefore, this variant is classified as Pathogenic according to the recommendation of ACMG/AMP guideline.

Blueprint Genetics
Classification: Pathogenic for GLB1-related disorders. Last evaluated: 2024-05-23. Review status: criteria provided, single submitter. Criteria: ACMG Guidelines, 2015. Collection method: clinical testing. Allele origin: germline. Affected: yes. Observed: 4 variant alleles.

Labcorp Genetics (formerly Invitae), Labcorp
Classification: Pathogenic for Mucopolysaccharidosis, MPS-IV-B; GM1 gangliosidosis. Last evaluated: 2023-09-08. Review status: criteria provided, single submitter. Criteria: Invitae Variant Classification Sherloc (09022015). Collection method: clinical testing. Allele origin: germline.
Comment: For these reasons, this variant has been classified as Pathogenic. ClinVar contains an entry for this variant (Variation ID: 264673). This premature translational stop signal has been observed in individual(s) with GM1 gangliosidosis (PMID: 21520340). This variant is present in population databases (rs748830051, gnomAD 0.01%). This sequence change creates a premature translational stop signal (p.Trp92*) in the GLB1 gene. It is expected to result in an absent or disrupted protein product. Loss-of-function variants in GLB1 are known to be pathogenic (PMID: 18524657).

Fulgent Genetics
Classification: Pathogenic for Infantile GM1 gangliosidosis; GM1 gangliosidosis type 2; GM1 gangliosidosis type 3; Mucopolysaccharidosis, MPS-IV-B. Last evaluated: 2022-01-31. Review status: criteria provided, single submitter. Criteria: ACMG Guidelines, 2015. Collection method: clinical testing. Allele origin: unknown.

CeGaT Center for Human Genetics Tuebingen
Classification: Pathogenic. Last evaluated: 2018-08-01. Review status: criteria provided, single submitter. Criteria: CeGaT Center For Human Genetics Tuebingen Variant Classification Criteria Version 2. Collection method: clinical testing. Allele origin: germline. Affected: yes. Observed: 2 variant alleles.

Foundation for Research in Genetics and Endocrinology, FRIGE's Institute of Human Genetics
Classification: Pathogenic for Infantile GM1 gangliosidosis. Last evaluated: 2016-02-22. Review status: criteria provided, single submitter. Criteria: ACMG Guidelines, 2015. Collection method: clinical testing. Allele origin: germline. Inheritance: Autosomal recessive inheritance. Affected: yes. Observed: 1 compound heterozygote.
Comment: The observed variant p.W92X in exon 3 of the GLB1 gene is a nonsense variant. The variant is present in gnomAD and ExAc database with an allele frequency of 0.00163 and 0.00000828 respectively. In summary, this variant meets the ACMG criteria to be classified as pathogenic based upon the evidence stated above.

Counsyl
Classification: Pathogenic for Infantile GM1 gangliosidosis; GM1 gangliosidosis type 2; GM1 gangliosidosis type 3; Mucopolysaccharidosis, MPS-IV-B. Last evaluated: 2017-11-02. Review status: no assertion criteria provided. Collection method: clinical testing. Allele origin: unknown. Not counted in ClinVar's aggregate classification.

Literature cited by the submitters: PubMed 21520340 (cited by 3 submitters); PubMed 18524657 (cited by Labcorp Genetics (formerly Invitae), Labcorp); PubMed 25936995 (cited by Counsyl).

NM_000404.4(GLB1):c.276G>A (p.Trp92Ter)

Gene: GLB1 (galactosidase beta 1; minus strand). Cytogenetic location: 3p22.3.
Variant type: single nucleotide variant.
Coding change: c.276G>A on transcript NM_000404.4 (MANE Select); coding-DNA position 276, G replaced by A.
Protein change: p.Trp92Ter; replaces tryptophan 92 with a stop codon.
Molecular consequence: nonsense. On other transcripts: intron variant (1).
Genome position (GRCh38, 1-based): chr3:33,068,940, C>T on the plus strand (G>A on the coding strand, the complement: GLB1 is on the minus strand). VCF-style: chr3-33068940-C-T. GRCh37 (hg19) VCF-style: chr3-33110432-C-T.
Other names: c.186G>A, p.Trp62Ter (NM_001079811.3); c.420G>A, p.Trp140Ter (NM_001317040.2); c.276G>A, p.Trp92Ter (NM_001393580.1); c.246-3383G>A (NM_001135602.3); short protein forms W92*, W62*, W140*.
Identifiers: ClinVar variation 264673 (VCV000264673.53), dbSNP rs748830051, ClinGen allele CA2299743.